The following is an entry in ClinVar:

ClinVar aggregate classification (germline): Conflicting classifications of pathogenicity. Review status: criteria provided, conflicting classifications (1 of 4 stars). 3 submissions from 3 submitters: Uncertain significance (2); Likely benign (1). Last evaluated 2025-09-01.

Conditions:
Inborn genetic diseases. Identifiers: MedGen C0950123, MeSH D030342.

Allele frequency attached by ClinVar (database versions not stated): TOPMed 0.00001; ExAC 0.00002.
gnomAD v4.1: 20 of 1,612,224 alleles (0.0012%); highest among the groups gnomAD compares: Middle Eastern, 0.05%; no homozygotes.

Submissions (3):

Ambry Genetics
Classification: Uncertain significance for Inborn genetic diseases. Last evaluated: 2025-09-01. Review status: criteria provided, single submitter. Criteria: Ambry Variant Classification Scheme 2023. Collection method: clinical testing. Allele origin: germline.

Blueprint Genetics
Classification: Likely benign. Last evaluated: 2024-06-27. Review status: criteria provided, single submitter. Criteria: ACMG Guidelines, 2015. Collection method: clinical testing. Allele origin: germline.

Labcorp Genetics (formerly Invitae), Labcorp
Classification: Uncertain significance. Last evaluated: 2021-10-25. Review status: criteria provided, single submitter. Criteria: Invitae Variant Classification Sherloc (09022015). Collection method: clinical testing. Allele origin: germline.
Comment: This sequence change replaces cysteine with arginine at codon 484 of the LRPPRC protein (p.Cys484Arg). The cysteine residue is weakly conserved and there is a large physicochemical difference between cysteine and arginine. This variant is present in population databases (rs756499243, ExAC 0.003%). This variant has not been reported in the literature in individuals with LRPPRC-related conditions. Algorithms developed to predict the effect of missense changes on protein structure and function (SIFT, PolyPhen-2, Align-GVGD) all suggest that this variant is likely to be tolerated, but these predictions have not been confirmed by published functional studies and their clinical significance is uncertain. In summary, the available evidence is currently insufficient to determine the role of this variant in disease. Therefore, it has been classified as a Variant of Uncertain Significance.

NM_133259.4(LRPPRC):c.1450T>C (p.Cys484Arg)

Gene: LRPPRC (leucine rich pentatricopeptide repeat containing; minus strand). Cytogenetic location: 2p21.
Variant type: single nucleotide variant.
Coding change: c.1450T>C on transcript NM_133259.4 (MANE Select); coding-DNA position 1450, T replaced by C.
Protein change: p.Cys484Arg; replaces cysteine 484 with arginine.
Molecular consequence: missense variant.
Genome position (GRCh38, 1-based): chr2:43,963,626, A>G on the plus strand (T>C on the coding strand, the complement: LRPPRC is on the minus strand). VCF-style: chr2-43963626-A-G. GRCh37 (hg19) VCF-style: chr2-44190765-A-G.
Other names: c.1450T>C (NM_133259.3); short protein forms C484R.
Identifiers: ClinVar variation 2144092 (VCV002144092.3), dbSNP rs756499243, ClinGen allele CA1638978.